The following is an entry in ClinVar:

ClinVar aggregate classification (germline): Uncertain significance (1 of 4 stars; one submission).

Conditions:
Joubert syndrome. Also called: CEREBELLOPARENCHYMAL DISORDER IV; JOUBERT-BOLTSHAUSER SYNDROME; Familial aplasia of the vermis. Identifiers: Orphanet 475, MedGen C5979921, MONDO:0018772.

Submission:

Labcorp Genetics (formerly Invitae), Labcorp
Classification: Uncertain significance for Joubert syndrome. Last evaluated: 2022-07-19. Review status: criteria provided, single submitter. Criteria: Invitae Variant Classification Sherloc (09022015). Collection method: clinical testing. Allele origin: germline.
Comment: ClinVar contains an entry for this variant (Variation ID: 1371113). In summary, the available evidence is currently insufficient to determine the role of this variant in disease. Therefore, it has been classified as a Variant of Uncertain Significance. Advanced modeling of protein sequence and biophysical properties (such as structural, functional, and spatial information, amino acid conservation, physicochemical variation, residue mobility, and thermodynamic stability) performed at Invitae indicates that this missense variant is expected to disrupt INPP5E protein function. This variant has not been reported in the literature in individuals affected with INPP5E-related conditions. This variant is not present in population databases (gnomAD no frequency). This sequence change replaces phenylalanine, which is neutral and non-polar, with leucine, which is neutral and non-polar, at codon 530 of the INPP5E protein (p.Phe530Leu).

NM_019892.6(INPP5E):c.1590C>G (p.Phe530Leu)

Gene: INPP5E (inositol polyphosphate-5-phosphatase E; minus strand). Cytogenetic location: 9q34.3.
Variant type: single nucleotide variant.
Coding change: c.1590C>G on transcript NM_019892.6 (MANE Select); coding-DNA position 1590, C replaced by G.
Protein change: p.Phe530Leu; replaces phenylalanine 530 with leucine.
Molecular consequence: missense variant.
Genome position (GRCh38, 1-based): chr9:136,431,077, G>C on the plus strand (C>G on the coding strand, the complement: INPP5E is on the minus strand). VCF-style: chr9-136431077-G-C. GRCh37 (hg19) VCF-style: chr9-139325529-G-C.
Other names: c.1587C>G, p.Phe529Leu (NM_001318502.2); short protein forms F529L, F530L.
Identifiers: ClinVar variation 1371113 (VCV001371113.6), dbSNP rs531628363, ClinGen allele CA375561739.